The following is an entry in ClinVar:

ClinVar aggregate classification (germline): Uncertain significance (1 of 4 stars; one submission).

Conditions:
Inborn genetic diseases. Identifiers: MedGen C0950123, MeSH D030342.

Submission:

Ambry Genetics
Classification: Uncertain significance for Inborn genetic diseases. Last evaluated: 2025-06-13. Review status: criteria provided, single submitter. Criteria: Ambry Variant Classification Scheme 2023. Collection method: clinical testing. Allele origin: germline.
Comment: The p.A498E variant (also known as c.1493C>A), located in coding exon 12 of the ASXL1 gene, results from a C to A substitution at nucleotide position 1493. The alanine at codon 498 is replaced by glutamic acid, an amino acid with dissimilar properties. This amino acid position is conserved. In addition, this alteration is predicted to be tolerated by in silico analysis. Based on the available evidence, the clinical significance of this variant remains unclear.

NM_015338.6(ASXL1):c.1493C>A (p.Ala498Glu)

Gene: ASXL1 (ASXL transcriptional regulator 1; plus strand). Cytogenetic location: 20q11.21.
Variant type: single nucleotide variant.
Coding change: c.1493C>A on transcript NM_015338.6 (MANE Select); coding-DNA position 1493, C replaced by A.
Protein change: p.Ala498Glu; replaces alanine 498 with glutamic acid.
Molecular consequence: missense variant.
Genome position (GRCh38, 1-based): chr20:32,433,691, C>A. VCF-style: chr20-32433691-C-A. GRCh37 (hg19) VCF-style: chr20-31021494-C-A.
Other names: c.1310C>A, p.Ala437Glu (NM_001363734.1); short protein forms A498E, A437E.
Identifiers: ClinVar variation 3957871 (VCV003957871.1).
Genomic context (GRCh38, chr20:32,433,691, plus strand): 5'-GTCCCGAATTCCCAGTTGAGTCTGTGGCTTCTCGGATCCAGGCTGAGCCAGACAACTTGG[C>A]ACGTGCCTCTGCATCTCCAGACAGAATTCCTAGCCTGCCTCAGGAAACTGTGGATCAGGA-3'
Protein context (NP_056153.2, residues 488-508): SRIQAEPDNL[Ala498Glu]RASASPDRIP